The following is an entry in ClinVar:

ClinVar aggregate classification (germline): Likely benign (1 of 4 stars; one submission).

gnomAD v4.1: 1 of 1,604,400 alleles (0.000062%); no homozygotes.

Submission:

CeGaT Center for Human Genetics Tuebingen
Classification: Likely benign. Last evaluated: 2025-08-01. Review status: criteria provided, single submitter. Criteria: CeGaT Center For Human Genetics Tuebingen Variant Classification Criteria Version 2. Collection method: clinical testing. Allele origin: germline. Affected: yes. Observed: 1 variant allele.
Comment: MUC5B: BP4, BP7

NM_002458.3(MUC5B):c.2235C>A (p.Ala745=)

Gene: MUC5B (mucin 5B, oligomeric mucus/gel-forming; plus strand). Cytogenetic location: 11p15.5.
Variant type: single nucleotide variant.
Coding change: c.2235C>A on transcript NM_002458.3 (MANE Select); coding-DNA position 2235, C replaced by A.
Protein change: p.Ala745=; no amino-acid change (alanine 745 retained).
Molecular consequence: synonymous variant.
Genome position (GRCh38, 1-based): chr11:1,233,182, C>A. VCF-style: chr11-1233182-C-A. GRCh37 (hg19) VCF-style: chr11-1254412-C-A.
Identifiers: ClinVar variation 4085959 (VCV004085959.8).